The following is an entry in ClinVar:

ClinVar aggregate classification (germline): Benign/Likely benign. Review status: criteria provided, multiple submitters, no conflicts (2 of 4 stars). 3 submissions from 3 submitters: Benign (1); Likely benign (1). 1 of the submissions does not count toward it. Last evaluated 2025-11-19.

Conditions:
ANLN-related disorder. Also called: ANLN-related condition.

Allele frequency attached by ClinVar (database versions not stated): gnomAD exomes 0.00017; ExAC 0.00020; 1000 Genomes Project 30x 0.00031; 1000 Genomes Project 0.00040; ESP Exome Variant Server 0.00046; gnomAD 0.00052 and 0.00057; TOPMed 0.00072.
gnomAD v4.1: 177 of 1,585,210 alleles (0.011%); highest among the groups gnomAD compares: African/African-American, 0.22%; no homozygotes.

Submissions (3):

Labcorp Genetics (formerly Invitae), Labcorp
Classification: Benign. Last evaluated: 2025-11-19. Review status: criteria provided, single submitter. Criteria: Invitae Variant Classification Sherloc (09022015). Collection method: clinical testing. Allele origin: germline.

Blueprint Genetics
Classification: Likely benign. Last evaluated: 2024-10-09. Review status: criteria provided, single submitter. Criteria: ACMG Guidelines, 2015. Collection method: clinical testing. Allele origin: germline.

PreventionGenetics, part of Exact Sciences
Classification: Likely benign for ANLN-related condition. Last evaluated: 2019-09-19. Review status: no assertion criteria provided. Collection method: clinical testing. Allele origin: germline. Not counted in ClinVar's aggregate classification.
Comment: This variant is classified as likely benign based on ACMG/AMP sequence variant interpretation guidelines (Richards et al. 2015 PMID: 25741868, with internal and published modifications).

NM_018685.5(ANLN):c.2476+9G>A

Gene: ANLN (anillin, actin binding protein; plus strand). Cytogenetic location: 7p14.2.
Variant type: single nucleotide variant.
Coding change: c.2476+9G>A on transcript NM_018685.5 (MANE Select); 9 bases into the intron after coding-DNA position 2476, G replaced by A.
Molecular consequence: intron variant.
Genome position (GRCh38, 1-based): chr7:36,422,818, G>A. VCF-style: chr7-36422818-G-A. GRCh37 (hg19) VCF-style: chr7-36462427-G-A.
Other names: c.2365+9G>A (NM_001284301.3); c.2362+9G>A (NM_001284302.3).
Identifiers: ClinVar variation 727301 (VCV000727301.12), dbSNP rs181462178, ClinGen allele CA4219868.